The following is an entry in ClinVar:

NM_001029883.3(PCARE):c.3116T>G (p.Leu1039Arg)

Gene: PCARE (photoreceptor cilium actin regulator; minus strand). Cytogenetic location: 2p23.2.
Variant type: single nucleotide variant.
Coding change: c.3116T>G on transcript NM_001029883.3 (MANE Select); coding-DNA position 3116, T replaced by G.
Protein change: p.Leu1039Arg; replaces leucine 1039 with arginine.
Molecular consequence: missense variant.
Genome position (GRCh38, 1-based): chr2:29,071,146, A>C on the plus strand (T>G on the coding strand, the complement: PCARE is on the minus strand). VCF-style: chr2-29071146-A-C. GRCh37 (hg19) VCF-style: chr2-29294012-A-C.
Other names: short protein forms L1039R.
Identifiers: ClinVar variation 1940323 (VCV001940323.5), dbSNP rs753235603, ClinGen allele CA1592016.

ClinVar aggregate classification (germline): Uncertain significance (1 of 4 stars; one submission).

Allele frequency attached by ClinVar (database versions not stated): TOPMed below 0.00001; ExAC 0.00001; gnomAD 0.00001.
gnomAD v4.1: 6 of 1,581,724 alleles (0.00038%); highest among the groups gnomAD compares: Middle Eastern, 0.018%; no homozygotes.

Submission:

Labcorp Genetics (formerly Invitae), Labcorp
Classification: Uncertain significance. Last evaluated: 2025-01-27. Review status: criteria provided, single submitter. Criteria: Invitae Variant Classification Sherloc (09022015). Collection method: clinical testing. Allele origin: germline.
Comment: This sequence change replaces leucine, which is neutral and non-polar, with arginine, which is basic and polar, at codon 1039 of the PCARE protein (p.Leu1039Arg). This variant is present in population databases (rs753235603, gnomAD 0.004%). This variant has not been reported in the literature in individuals affected with PCARE-related conditions. ClinVar contains an entry for this variant (Variation ID: 1940323). An algorithm developed to predict the effect of missense changes on protein structure and function (PolyPhen-2) suggests that this variant is likely to be disruptive. In summary, the available evidence is currently insufficient to determine the role of this variant in disease. Therefore, it has been classified as a Variant of Uncertain Significance.